The following is an entry in ClinVar:

NM_001378328.1(CELSR1):c.2472C>T (p.Ile824=)

Gene: CELSR1 (cadherin EGF LAG seven-pass G-type receptor 1; minus strand). Cytogenetic location: 22q13.31.
Variant type: single nucleotide variant.
Coding change: c.2472C>T on transcript NM_001378328.1 (MANE Select); coding-DNA position 2472, C replaced by T.
Protein change: p.Ile824=; no amino-acid change (isoleucine 824 retained).
Molecular consequence: synonymous variant.
Genome position (GRCh38, 1-based): chr22:46,534,699, G>A on the plus strand (C>T on the coding strand, the complement: CELSR1 is on the minus strand). VCF-style: chr22-46534699-G-A. GRCh37 (hg19) VCF-style: chr22-46930596-G-A.
Other names: c.2472C>T, p.Ile824= (NM_014246.4).
Identifiers: ClinVar variation 2653341 (VCV002653341.24), dbSNP rs779974480, ClinGen allele CA10295244.

ClinVar aggregate classification (germline): Likely benign (1 of 4 stars; one submission).

Allele frequency attached by ClinVar (database versions not stated): TOPMed 0.00004; gnomAD 0.00005; ExAC 0.00015.
gnomAD v4.1: 121 of 1,613,422 alleles (0.0075%); highest among the groups gnomAD compares: South Asian, 0.079%; 2 homozygotes.

Submission:

CeGaT Center for Human Genetics Tuebingen
Classification: Likely benign. Last evaluated: 2024-02-01. Review status: criteria provided, single submitter. Criteria: CeGaT Center For Human Genetics Tuebingen Variant Classification Criteria Version 2. Collection method: clinical testing. Allele origin: germline. Affected: yes. Observed: 2 variant alleles.
Comment: CELSR1: BP4, BP7